The following is an entry in ClinVar:

NM_001384910.1(GUCA1A):c.479T>C (p.Val160Ala)

Genes: GUCA1A (guanylate cyclase activator 1A; plus strand), GUCA1ANB-GUCA1A (GUCA1ANB-GUCA1A readthrough; plus strand). Cytogenetic location: 6p21.1.
Variant type: single nucleotide variant.
Coding change: c.479T>C on transcript NM_001384910.1 (MANE Select); coding-DNA position 479, T replaced by C.
Protein change: p.Val160Ala; replaces valine 160 with alanine.
Molecular consequence: missense variant.
Genome position (GRCh38, 1-based): chr6:42,179,276, T>C. VCF-style: chr6-42179276-T-C. GRCh37 (hg19) VCF-style: chr6-42147014-T-C.
Other names: c.479T>C, p.Val160Ala (NM_000409.5, NM_001319061.2, NM_001319062.2); short protein forms V160A.
Identifiers: ClinVar variation 1396736 (VCV001396736.6), dbSNP rs777997114, ClinGen allele CA364110239.

ClinVar aggregate classification (germline): Uncertain significance (1 of 4 stars; one submission).

Submission:

Labcorp Genetics (formerly Invitae), Labcorp
Classification: Uncertain significance. Last evaluated: 2022-11-19. Review status: criteria provided, single submitter. Criteria: Invitae Variant Classification Sherloc (09022015). Collection method: clinical testing. Allele origin: germline.
Comment: ClinVar contains an entry for this variant (Variation ID: 1396736). In summary, the available evidence is currently insufficient to determine the role of this variant in disease. Therefore, it has been classified as a Variant of Uncertain Significance. Algorithms developed to predict the effect of missense changes on protein structure and function are either unavailable or do not agree on the potential impact of this missense change (SIFT: "Not Available"; PolyPhen-2: "Benign"; Align-GVGD: "Not Available"). This variant has not been reported in the literature in individuals affected with GUCA1A-related conditions. This variant is not present in population databases (gnomAD no frequency). This sequence change replaces valine, which is neutral and non-polar, with alanine, which is neutral and non-polar, at codon 160 of the GUCA1A protein (p.Val160Ala).